The following is an entry in ClinVar:

ClinVar aggregate classification (germline): Benign/Likely benign. Review status: criteria provided, multiple submitters, no conflicts (2 of 4 stars). 13 submissions from 13 submitters: Benign (12); Likely benign (1). Last evaluated 2026-02-04.

Conditions:
Hereditary cancer-predisposing syndrome. Also called: Tumor predisposition; Neoplastic Syndromes, Hereditary; Hereditary neoplastic syndrome; Hereditary Cancer Syndrome. Identifiers: Orphanet 140162, MedGen C0027672, MeSH D009386, MONDO:0015356.
Familial cancer of breast. Also called: BREAST CANCER, FAMILIAL; hereditary breast carcinoma; Hereditary breast cancer. Identifiers: Orphanet 227535, MedGen C0346153, MONDO:0016419, OMIM 114480. Disease mechanism: loss of function.

Allele frequency attached by ClinVar (database versions not stated): ESP Exome Variant Server 0.30314; TOPMed 0.32154; gnomAD 0.32854 and 0.33242; 1000 Genomes Project 30x 0.32995; 1000 Genomes Project 0.33127; gnomAD exomes 0.38356; ExAC 0.43768.
gnomAD v4.1: 581,353 of 1,603,114 alleles (36%); highest among the groups gnomAD compares: Admixed American, 42%; 107,214 homozygotes.

Submissions (13):

Labcorp Genetics (formerly Invitae), Labcorp
Classification: Benign for Familial cancer of breast. Last evaluated: 2026-02-04. Review status: criteria provided, single submitter. Criteria: Invitae Variant Classification Sherloc (09022015). Collection method: clinical testing. Allele origin: germline.

ARUP Laboratories, Molecular Genetics and Genomics, ARUP Laboratories
Classification: Benign for Familial cancer of breast. Last evaluated: 2025-07-29. Review status: criteria provided, single submitter. Criteria: ARUP Molecular Germline Variant Investigation Process 2024. Collection method: clinical testing. Allele origin: germline.

GeneKor MSA
Classification: Benign for Hereditary cancer-predisposing syndrome. Last evaluated: 2025-07-10. Review status: criteria provided, single submitter. Criteria: ACMG Guidelines, 2015. Collection method: clinical testing. Allele origin: germline.

Blueprint Genetics
Classification: Likely benign. Last evaluated: 2024-11-26. Review status: criteria provided, single submitter. Criteria: ACMG Guidelines, 2015. Collection method: clinical testing. Allele origin: germline.

Myriad Genetics, Inc.
Classification: Benign for Familial cancer of breast. Last evaluated: 2024-07-18. Review status: criteria provided, single submitter. Criteria: Myriad Autosomal Dominant, Autosomal Recessive and X-Linked Classification Criteria (2023). Collection method: clinical testing. Allele origin: unknown.
Comment: This variant is considered benign. This variant has been observed at a population frequency that is significantly greater than expected given the associated disease prevalence and penetrance.

KCCC/NGS Laboratory, Kuwait Cancer Control Center
Classification: Benign for Familial cancer of breast. Last evaluated: 2023-07-07. Review status: criteria provided, single submitter. Criteria: ACMG Guidelines, 2015. Collection method: clinical testing. Allele origin: germline. Affected: yes.

Mayo Clinic Laboratories, Mayo Clinic
Classification: Benign. Last evaluated: 2021-12-17. Review status: criteria provided, single submitter. Criteria: ACMG Guidelines, 2015. Collection method: clinical testing. Allele origin: germline. Observed: 572 variant alleles.
Comment: BA1

Illumina Laboratory Services, Illumina
Classification: Benign for Familial cancer of breast. Last evaluated: 2018-03-06. Review status: criteria provided, single submitter. Criteria: ICSL Variant Classification Criteria 13 December 2019. Collection method: clinical testing. Allele origin: germline.
Comment: This variant was observed in the ICSL laboratory as part of a predisposition screen in an ostensibly healthy population. It had not been previously curated by ICSL or reported in the Human Gene Mutation Database (HGMD: prior to June 1st, 2018), and was therefore a candidate for classification through an automated scoring system. Utilizing variant allele frequency, disease prevalence and penetrance estimates, and inheritance mode, an automated score was calculated to assess if this variant is too frequent to cause the disease. Based on the score and internal cut-off values, a variant classified as benign is not then subjected to further curation. The score for this variant resulted in a classification of benign for this disease.

GeneDx
Classification: Benign. Last evaluated: 2015-03-03. Review status: criteria provided, single submitter. Criteria: GeneDx Variant Classification Process June 2021. Collection method: clinical testing. Allele origin: germline. Affected: yes.
Comment: This variant is associated with the following publications: (PMID: 25785002, 16061562, 27153395, 17028982, 19412175, 23222812, 23966609)

Ambry Genetics
Classification: Benign for Hereditary cancer-predisposing syndrome. Last evaluated: 2014-11-18. Review status: criteria provided, single submitter. Criteria: Ambry Variant Classification Scheme 2023. Collection method: clinical testing. Allele origin: germline.

Color Diagnostics, LLC DBA Color Health
Classification: Benign for Hereditary cancer-predisposing syndrome. Last evaluated: 2014-11-04. Review status: criteria provided, single submitter. Criteria: ACMG Guidelines, 2015. Collection method: clinical testing. Allele origin: germline.

Breakthrough Genomics
Classification: Benign. Review status: criteria provided, single submitter. Criteria: ACMG Guidelines, 2015. Collection method: not provided. Allele origin: germline. Inheritance: Autosomal dominant inheritance. Affected: yes.

PreventionGenetics, part of Exact Sciences
Classification: Benign. Review status: criteria provided, single submitter. Criteria: ACMG Guidelines, 2015. Collection method: clinical testing. Allele origin: germline.

NM_000465.4(BARD1):c.70C>T (p.Pro24Ser)

Gene: BARD1 (BRCA1 associated RING domain 1; minus strand). Cytogenetic location: 2q35.
Variant type: single nucleotide variant.
Coding change: c.70C>T on transcript NM_000465.4 (MANE Select); coding-DNA position 70, C replaced by T.
Protein change: p.Pro24Ser; replaces proline 24 with serine.
Molecular consequence: missense variant. On other transcripts: non-coding transcript variant (3).
Genome position (GRCh38, 1-based): chr2:214,809,500, G>A on the plus strand (C>T on the coding strand, the complement: BARD1 is on the minus strand). VCF-style: chr2-214809500-G-A. GRCh37 (hg19) VCF-style: chr2-215674224-G-A.
Other names: c.70C>T, p.Pro24Ser (NM_001282543.2, NM_001282545.2, NM_001282548.2 and 1 more transcripts); short protein forms P24S.
Identifiers: ClinVar variation 183698 (VCV000183698.41), dbSNP rs1048108, ClinGen allele CA186160.
Genomic context (GRCh38, chr2:214,809,500, plus strand): 5'-GGCGGTCGAGCGCGGCGCGACTGTGGGCCCAGGCACCGCGACCATCCGGTTCCATGGCGG[G>A]CGCGGAACGAGGCTCGTTCCCGGAGCGGATCCTCGGCTGCCGGTTCCTCGGCTGCCGATT-3'
Protein context (NP_000456.2, residues 14-34): IRSGNEPRSA[Pro24Ser]AMEPDGRGAW